The following is an entry in ClinVar:

ClinVar aggregate classification (germline): Benign/Likely benign. Review status: criteria provided, multiple submitters, no conflicts (2 of 4 stars). 4 submissions from 4 submitters: Benign (2); Likely benign (1). 1 of the submissions does not count toward it. Last evaluated 2025-12-07.

Conditions:
EDARADD-related disorder. Also called: EDARADD-related condition.
Ectodermal dysplasia 11A, hypohidrotic/hair/tooth type, autosomal dominant. Identifiers: Orphanet 1810, Orphanet 238468, MedGen C3541517, MONDO:0013982, OMIM 614940.
Ectodermal dysplasia 11B, hypohidrotic/hair/tooth type, autosomal recessive. Identifiers: Orphanet 238468, Orphanet 248, MedGen C3539920, MONDO:0013983, OMIM 614941.
Hypohidrotic ectodermal dysplasia (HED). Identifiers: Orphanet 238468, MedGen C5848103, MONDO:0016535, HP:0007607.

Allele frequency attached by ClinVar (database versions not stated): ExAC 0.00061; ESP Exome Variant Server 0.00200; 1000 Genomes Project 30x 0.00219; gnomAD 0.00232 and 0.00254; 1000 Genomes Project 0.00240; TOPMed 0.00262.

Submissions (4):

Labcorp Genetics (formerly Invitae), Labcorp
Classification: Benign for Ectodermal dysplasia 11B, hypohidrotic/hair/tooth type, autosomal recessive; Ectodermal dysplasia 11A, hypohidrotic/hair/tooth type, autosomal dominant. Last evaluated: 2025-12-07. Review status: criteria provided, single submitter. Criteria: Invitae Variant Classification Sherloc (09022015). Collection method: clinical testing. Allele origin: germline.

Blueprint Genetics
Classification: Likely benign. Last evaluated: 2024-06-17. Review status: criteria provided, single submitter. Criteria: ACMG Guidelines, 2015. Collection method: clinical testing. Allele origin: germline.

Illumina Laboratory Services, Illumina
Classification: Benign for Hypohidrotic ectodermal dysplasia. Last evaluated: 2018-01-13. Review status: criteria provided, single submitter. Criteria: ICSL Variant Classification Criteria 13 December 2019. Collection method: clinical testing. Allele origin: germline.
Comment: This variant was observed in the ICSL laboratory as part of a predisposition screen in an ostensibly healthy population. It had not been previously curated by ICSL or reported in the Human Gene Mutation Database (HGMD: prior to June 1st, 2018), and was therefore a candidate for classification through an automated scoring system. Utilizing variant allele frequency, disease prevalence and penetrance estimates, and inheritance mode, an automated score was calculated to assess if this variant is too frequent to cause the disease. Based on the score and internal cut-off values, a variant classified as benign is not then subjected to further curation. The score for this variant resulted in a classification of benign for this disease.

PreventionGenetics, part of Exact Sciences
Classification: Likely benign for EDARADD-related condition. Last evaluated: 2020-02-17. Review status: no assertion criteria provided. Collection method: clinical testing. Allele origin: germline. Not counted in ClinVar's aggregate classification.
Comment: This variant is classified as likely benign based on ACMG/AMP sequence variant interpretation guidelines (Richards et al. 2015 PMID: 25741868, with internal and published modifications).

NM_145861.4(EDARADD):c.393G>A (p.Pro131=)

Gene: EDARADD (EDAR associated via death domain; plus strand). Cytogenetic location: 1q43.
Variant type: single nucleotide variant.
Coding change: c.393G>A on transcript NM_145861.4 (MANE Select); coding-DNA position 393, G replaced by A.
Protein change: p.Pro131=; no amino-acid change (proline 131 retained).
Molecular consequence: synonymous variant.
Genome position (GRCh38, 1-based): chr1:236,482,394, G>A. VCF-style: chr1-236482394-G-A. GRCh37 (hg19) VCF-style: chr1-236645694-G-A.
Other names: c.327G>A, p.Pro109= (NM_001422628.1); c.363G>A, p.Pro121= (NM_080738.5).
Identifiers: ClinVar variation 540294 (VCV000540294.15), dbSNP rs139996586, ClinGen allele CA1470075.
Genomic context (GRCh38, chr1:236,482,394, plus strand): 5'-CATAAGTGACTTGCTCAATGATCAGGACTTACTAGACGTGATCAGGATAAAGCTGGATCC[G>A]TGTCACCCAACGGTGAAAAACTGGAGGAATTTTGCAAGCAAATGGGGGATGTCCTATGAC-3'
Protein context (NP_665860.2, residues 121-141): LLDVIRIKLD[Pro131=]CHPTVKNWRN